The following is an entry in ClinVar:

NM_000492.4(CFTR):c.3848G>A (p.Arg1283Lys)

Genes: CFTR (CF transmembrane conductance regulator; plus strand), CFTR-AS2 (CFTR antisense RNA 2; minus strand). Cytogenetic location: 7q31.2.
Variant type: single nucleotide variant.
Coding change: c.3848G>A on transcript NM_000492.4 (MANE Select); coding-DNA position 3848, G replaced by A.
Protein change: p.Arg1283Lys; replaces arginine 1283 with lysine.
Molecular consequence: missense variant.
Genome position (GRCh38, 1-based): chr7:117,642,568, G>A. VCF-style: chr7-117642568-G-A. GRCh37 (hg19) VCF-style: chr7-117282622-G-A.
Other names: short protein forms R1283K.
Identifiers: ClinVar variation 53822 (VCV000053822.11), dbSNP rs77902683, ClinGen allele CA327307.

ClinVar aggregate classification (germline): Uncertain significance. Review status: criteria provided, multiple submitters, no conflicts (2 of 4 stars). 4 submissions from 4 submitters: Uncertain significance (3). 1 of the submissions does not count toward it. Last evaluated 2024-09-03.

Conditions:
CFTR-related disorder (CFTR-RD). Also called: CFTR-related disorders; CFTR-related condition. Identifiers: MedGen C5924204, MONDO:7770004.
Cystic fibrosis (CF). Also called: MUCOVISCIDOSIS. Identifiers: Orphanet 586, MedGen C0010674, MONDO:0009061, OMIM 219700. Disease mechanism: loss of function.

Allele frequency attached by ClinVar (database versions not stated): ExAC 0.00002; gnomAD exomes below 0.00001.
gnomAD v4.1: 2 of 1,613,476 alleles (0.00012%); highest among the groups gnomAD compares: South Asian, 0.0022%; no homozygotes.

Submissions (4):

Women's Health and Genetics/Laboratory Corporation of America, LabCorp
Classification: Uncertain significance. Last evaluated: 2024-09-03. Review status: criteria provided, single submitter. Criteria: LabCorp Variant Classification Summary - May 2015. Collection method: clinical testing. Allele origin: germline.
Comment: Variant summary: CFTR c.3848G>A (p.Arg1283Lys) results in a conservative amino acid change located in the ABC transporter-like, ATP-binding domain (IPR003439) of the encoded protein sequence. Four of five in-silico tools predict a damaging effect of the variant on protein function. The variant allele was found at a frequency of 4e-06 in 250742 control chromosomes. The available data on variant occurrences in the general population are insufficient to allow any conclusion about variant significance. c.3848G>A has been reported in the literature in individuals affected with clinical features of CFTR-related conditions (example, Chevalier-Porst_1994, Claustres_2000), however no 2nd alleles were specified in these individuals. These report(s) do not provide unequivocal conclusions about association of the variant with CFTR-related conditions. To our knowledge, no experimental evidence demonstrating an impact on protein function has been reported. The following publications have been ascertained in the context of this evaluation (PMID: 7525963, 10923036). ClinVar contains an entry for this variant (Variation ID: 53822). Based on the evidence outlined above, the variant was classified as uncertain significance.

Ambry Genetics
Classification: Uncertain significance for Cystic fibrosis. Last evaluated: 2022-04-27. Review status: criteria provided, single submitter. Criteria: Ambry Variant Classification Scheme 2023. Collection method: clinical testing. Allele origin: germline.
Comment: The p.R1283K variant (also known as c.3848G>A), located in coding exon 23 of the CFTR gene, results from a G to A substitution at nucleotide position 3848. The arginine at codon 1283 is replaced by lysine, an amino acid with highly similar properties. This alteration has been identified in trans with S977P and 4012insT in an individual with pancreatic insufficiency and severe lung disease (Chevalier-Porst F et al. J Med Genet, 1994 Jul;31:541-4). This amino acid position is highly conserved in available vertebrate species. In addition, this alteration is predicted to be deleterious by in silico analysis. Since supporting evidence is limited at this time, the clinical significance of this alteration remains unclear.

ARUP Laboratories, Molecular Genetics and Genomics, ARUP Laboratories
Classification: Uncertain significance. Last evaluated: 2016-12-13. Review status: criteria provided, single submitter. Criteria: ARUP Molecular Germline Variant Investigation Process. Collection method: clinical testing. Allele origin: germline.

Natera, Inc.
Classification: Uncertain significance for CFTR-related disorders. Last evaluated: 2020-10-21. Review status: no assertion criteria provided. Collection method: clinical testing. Allele origin: germline. Not counted in ClinVar's aggregate classification.

Literature cited by the submitters: PubMed 7525963 (cited by Women's Health and Genetics/Laboratory Corporation of America, LabCorp and Ambry Genetics); PubMed 10923036 (cited by Women's Health and Genetics/Laboratory Corporation of America, LabCorp).